The following is an entry in ClinVar:

ClinVar aggregate classification (germline): Uncertain significance (1 of 4 stars; one submission).

Conditions:
Long QT syndrome (LQTS). Identifiers: MedGen C0023976, MeSH D008133, MONDO:0002442. Disease mechanism: loss of function. Inheritance: Various modes of inheritance.

gnomAD v4.1: 4 of 1,612,630 alleles (0.00025%); highest among the groups gnomAD compares: Middle Eastern, 0.017%; no homozygotes.

Submission:

Labcorp Genetics (formerly Invitae), Labcorp
Classification: Uncertain significance for Long QT syndrome. Last evaluated: 2024-04-19. Review status: criteria provided, single submitter. Criteria: Invitae Variant Classification Sherloc (09022015). Collection method: clinical testing. Allele origin: germline.
Comment: This sequence change replaces methionine, which is neutral and non-polar, with valine, which is neutral and non-polar, at codon 296 of the AKAP9 protein (p.Met296Val). This variant is present in population databases (rs752964889, gnomAD 0.0009%). This variant has not been reported in the literature in individuals affected with AKAP9-related conditions. An algorithm developed to predict the effect of missense changes on protein structure and function (PolyPhen-2) suggests that this variant is likely to be tolerated. In summary, the available evidence is currently insufficient to determine the role of this variant in disease. Therefore, it has been classified as a Variant of Uncertain Significance.

NM_005751.5(AKAP9):c.886A>G (p.Met296Val)

Gene: AKAP9 (A-kinase anchoring protein 9; plus strand). Cytogenetic location: 7q21.2.
Variant type: single nucleotide variant.
Coding change: c.886A>G on transcript NM_005751.5 (MANE Select); coding-DNA position 886, A replaced by G.
Protein change: p.Met296Val; replaces methionine 296 with valine.
Molecular consequence: missense variant.
Genome position (GRCh38, 1-based): chr7:91,995,756, A>G. VCF-style: chr7-91995756-A-G. GRCh37 (hg19) VCF-style: chr7-91625070-A-G.
Other names: c.886A>G, p.Met296Val (NM_147185.3); short protein forms M296V.
Identifiers: ClinVar variation 3614100 (VCV003614100.2).
Genomic context (GRCh38, chr7:91,995,756, plus strand): 5'-CAGCTTGAAGAACAAGACCACTTATTAGAAGATTATCAGAAAAAGAAAGAAGACTTCACA[A>G]TGCAAATTAGTTTCTTGCAAGAGAAAATTAAAGTATATGAAATGGTATGTTTATTTTAAG-3'
Protein context (NP_005742.4, residues 286-306): DYQKKKEDFT[Met296Val]QISFLQEKIK